The following is an entry in ClinVar:

NM_001848.3(COL6A1):c.40G>A (p.Ala14Thr)

Gene: COL6A1 (collagen type VI alpha 1 chain; plus strand). Cytogenetic location: 21q22.3.
Variant type: single nucleotide variant.
Coding change: c.40G>A on transcript NM_001848.3 (MANE Select); coding-DNA position 40, G replaced by A.
Protein change: p.Ala14Thr; replaces alanine 14 with threonine.
Molecular consequence: missense variant.
Genome position (GRCh38, 1-based): chr21:45,981,890, G>A. VCF-style: chr21-45981890-G-A. GRCh37 (hg19) VCF-style: chr21-47401804-G-A.
Other names: short protein forms A14T.
Identifiers: ClinVar variation 1396686 (VCV001396686.6), dbSNP rs1454397058, ClinGen allele CA410513877.

ClinVar aggregate classification (germline): Uncertain significance (1 of 4 stars; one submission).

Conditions:
Bethlem myopathy 1A. Also called: Bethlem myopathy 1; Bethlem Muscular Dystrophy; MYOPATHY, BENIGN CONGENITAL, WITH CONTRACTURES. Identifiers: Orphanet 610, MedGen CN029274, MONDO:0024530, OMIM 158810.

Allele frequency attached by ClinVar (database versions not stated): TOPMed 0.00001.

Submission:

Labcorp Genetics (formerly Invitae), Labcorp
Classification: Uncertain significance for Bethlem myopathy 1A. Last evaluated: 2021-12-09. Review status: criteria provided, single submitter. Criteria: Invitae Variant Classification Sherloc (09022015). Collection method: clinical testing. Allele origin: germline.
Comment: In summary, the available evidence is currently insufficient to determine the role of this variant in disease. Therefore, it has been classified as a Variant of Uncertain Significance. Advanced modeling of protein sequence and biophysical properties (such as structural, functional, and spatial information, amino acid conservation, physicochemical variation, residue mobility, and thermodynamic stability) performed at Invitae indicates that this missense variant is not expected to disrupt COL6A1 protein function. This variant has not been reported in the literature in individuals affected with COL6A1-related conditions. This variant is not present in population databases (gnomAD no frequency). This sequence change replaces alanine, which is neutral and non-polar, with threonine, which is neutral and polar, at codon 14 of the COL6A1 protein (p.Ala14Thr).